The following is an entry in ClinVar:

NM_001035.3(RYR2):c.3908G>A (p.Arg1303His)

Genes: RYR2 (ryanodine receptor 2; plus strand), LOC126806067 (BRD4-independent group 4 enhancer GRCh37_chr1:237753258-237754457; plus strand). Cytogenetic location: 1q43.
Variant type: single nucleotide variant.
Coding change: c.3908G>A on transcript NM_001035.3 (MANE Select); coding-DNA position 3908, G replaced by A.
Protein change: p.Arg1303His; replaces arginine 1303 with histidine.
Molecular consequence: missense variant.
Genome position (GRCh38, 1-based): chr1:237,590,740, G>A. VCF-style: chr1-237590740-G-A. GRCh37 (hg19) VCF-style: chr1-237754040-G-A.
Other names: short protein forms R1303H.
Identifiers: ClinVar variation 852978 (VCV000852978.11), dbSNP rs766670579, ClinGen allele CA39802910.

ClinVar aggregate classification (germline): Uncertain significance. Review status: criteria provided, multiple submitters, no conflicts (2 of 4 stars). 2 submissions from 2 submitters: Uncertain significance (2). Last evaluated 2026-01-02.

Conditions:
Catecholaminergic polymorphic ventricular tachycardia (CVPT). Also called: Catecholamine-induced polymorphic ventricular tachycardia. Identifiers: Orphanet 3286, MedGen C5574922, MONDO:0017990.
Catecholaminergic polymorphic ventricular tachycardia 1. Also called: VENTRICULAR TACHYCARDIA, CATECHOLAMINERGIC POLYMORPHIC, 1, WITH OR WITHOUT ATRIAL DYSFUNCTION AND/OR DILATED CARDIOMYOPATHY; VENTRICULAR TACHYCARDIA, STRESS-INDUCED POLYMORPHIC 1; RYR2-Related Catecholaminergic Polymorphic Ventricular Tachycardia. Identifiers: Orphanet 3286, MedGen C1631597, MONDO:0011484, OMIM 604772.

Allele frequency attached by ClinVar (database versions not stated): gnomAD exomes below 0.00001; TOPMed below 0.00001.
gnomAD v4.1: 1 of 1,613,294 alleles (0.000062%); highest among the groups gnomAD compares: Non-Finnish European, 0.000085%; no homozygotes.

Submissions (2):

Labcorp Genetics (formerly Invitae), Labcorp
Classification: Uncertain significance for Catecholaminergic polymorphic ventricular tachycardia 1. Last evaluated: 2026-01-02. Review status: criteria provided, single submitter. Criteria: Invitae Variant Classification Sherloc (09022015). Collection method: clinical testing. Allele origin: germline.
Comment: This sequence change replaces arginine, which is basic and polar, with histidine, which is basic and polar, at codon 1303 of the RYR2 protein (p.Arg1303His). This variant is present in population databases (rs766670579, gnomAD 0.0009%). This missense change has been observed in individual(s) with RYR2-related conditions (PMID: 30847666). ClinVar contains an entry for this variant (Variation ID: 852978). Invitae Evidence Modeling of protein sequence and biophysical properties (such as structural, functional, and spatial information, amino acid conservation, physicochemical variation, residue mobility, and thermodynamic stability) indicates that this missense variant is expected to disrupt RYR2 protein function with a positive predictive value of 95%. In summary, the available evidence is currently insufficient to determine the role of this variant in disease. Therefore, it has been classified as a Variant of Uncertain Significance.

All of Us Research Program, National Institutes of Health
Classification: Uncertain significance for Catecholaminergic polymorphic ventricular tachycardia. Last evaluated: 2024-04-16. Review status: criteria provided, single submitter. Criteria: ACMG Guidelines, 2015. Collection method: clinical testing. Allele origin: germline. Inheritance: Autosomal dominant inheritance. Observed: 1 variant allele, 1 heterozygote.
Comment: This missense variant replaces arginine with histidine at codon 1303 of the RYR2 protein. Computational prediction suggests that this variant may have deleterious impact on protein structure and function (internally defined REVEL score threshold >= 0.7, PMID: 27666373). To our knowledge, functional studies have not been reported for this variant. This variant has been reported in an individual affected with catecholaminergic polymorphic ventricular tachycardia (PMID: 30847666). This variant has been identified in 1/248396 chromosomes in the general population by the Genome Aggregation Database (gnomAD). The available evidence is insufficient to determine the role of this variant in disease conclusively. Therefore, this variant is classified as a Variant of Uncertain Significance.

This study involves interpretation of variants in research participants for the purpose of population health screening. Participant phenotype was not available at the time of variant classification. Additional details can be found in publication PMID: 35346344, PMCID: PMC8962531

Literature cited by the submitters: PubMed 30847666 (cited by Labcorp Genetics (formerly Invitae), Labcorp and All of Us Research Program, National Institutes of Health).